The following is an entry in ClinVar:

ClinVar aggregate classification (germline): Likely pathogenic. Review status: criteria provided, multiple submitters, no conflicts (2 of 4 stars). 2 submissions from 2 submitters: Likely pathogenic (2). Last evaluated 2025-12-05.

Conditions:
Hypertrophic cardiomyopathy 1 (CMH1). Also called: MYH7-Related Familial Hypertrophic Cardiomyopathy; Familial hypertrophic cardiomyopathy 1. Identifiers: MedGen C3495498, MONDO:0008647, OMIM 192600.

Submissions (2):

3billion
Classification: Likely pathogenic for Hypertrophic cardiomyopathy 1. Last evaluated: 2025-12-05. Review status: criteria provided, single submitter. Criteria: ACMG Guidelines, 2015. Collection method: clinical testing. Allele origin: germline. Affected: yes.
Comment: The variant is not observed in the gnomAD v4.1.0 dataset. Predicted Consequence/Location: The variant is located in a mutational hot spot and/or well-established functional domain in which established pathogenic variants have been reported (PMID: 29300372). In silico tool predictions suggest damaging effect of the variant on gene or gene product [REVEL: 0.83 (>=0.6, sensitivity 0.68 and specificity 0.92); 3Cnet: 0.93 (> 0.75, sensitivity 0.96 and precision 0.92)]. The same nucleotide change resulting in the same amino acid change has been previously reported as pathogenic/likely pathogenic with strong evidence (ClinVar ID: VCV001333564 /PMID: 32380161 /3billion dataset). Therefore, this variant is classified as Likely pathogenic according to the recommendation of ACMG/AMP guideline.

GeneDx
Classification: Likely pathogenic. Last evaluated: 2024-06-24. Review status: criteria provided, single submitter. Criteria: GeneDx Variant Classification Process June 2021. Collection method: clinical testing. Allele origin: germline. Affected: yes.
Comment: Not observed at significant frequency in large population cohorts (gnomAD); In silico analysis supports that this missense variant has a deleterious effect on protein structure/function; This variant is associated with the following publications: (PMID: 32380161, 33658040, 32492895, 37629714, 27532257, 29300372)

Literature cited by the submitters: PubMed 32380161 (cited by 3billion).

NM_000257.4(MYH7):c.1426C>T (p.Leu476Phe)

Gene: MYH7 (myosin heavy chain 7; minus strand). Cytogenetic location: 14q11.2.
Variant type: single nucleotide variant.
Coding change: c.1426C>T on transcript NM_000257.4 (MANE Select); coding-DNA position 1426, C replaced by T.
Protein change: p.Leu476Phe; replaces leucine 476 with phenylalanine.
Molecular consequence: missense variant.
Genome position (GRCh38, 1-based): chr14:23,428,652, G>A on the plus strand (C>T on the coding strand, the complement: MYH7 is on the minus strand). VCF-style: chr14-23428652-G-A. GRCh37 (hg19) VCF-style: chr14-23897861-G-A.
Other names: c.1426C>T (NM_000257.2); short protein forms L476F.
Identifiers: ClinVar variation 1333564 (VCV001333564.7), dbSNP rs397516107, ClinGen allele CA389050629.